The following is an entry in ClinVar:

NM_018344.6(SLC29A3):c.1087C>T (p.Arg363Trp)

Gene: SLC29A3 (solute carrier family 29 member 3; plus strand). Cytogenetic location: 10q22.1.
Variant type: single nucleotide variant.
Coding change: c.1087C>T on transcript NM_018344.6 (MANE Select); coding-DNA position 1087, C replaced by T.
Protein change: p.Arg363Trp; replaces arginine 363 with tryptophan.
Molecular consequence: missense variant. On other transcripts: 3 prime UTR variant (1), non-coding transcript variant (2).
Genome position (GRCh38, 1-based): chr10:71,362,267, C>T. VCF-style: chr10-71362267-C-T. GRCh37 (hg19) VCF-style: chr10-73122024-C-T.
Other names: c.*316C>T (NM_001174098.2); c.853C>T, p.Arg285Trp (NM_001363518.2); short protein forms R363W, R285W.
Identifiers: ClinVar variation 30949 (VCV000030949.20), dbSNP rs387907067, ClinGen allele CA129562.
Genomic context (GRCh38, chr10:71,362,267, plus strand): 5'-ACCAAGTTTTTCATCCCCCTCACTACCTTCCTCCTGTACAACTTTGCTGACCTATGTGGC[C>T]GGCAGCTCACCGCCTGGATCCAGGTGCCAGGGCCCAATAGCAAGGCGCTCCCAGGGTTCG-3'
Protein context (NP_060814.4, residues 353-373): LLYNFADLCG[Arg363Trp]QLTAWIQVPG

ClinVar aggregate classification (germline): Pathogenic/Likely pathogenic. Review status: criteria provided, multiple submitters, no conflicts (2 of 4 stars). 5 submissions from 5 submitters: Pathogenic (3); Likely pathogenic (1). 1 of the submissions does not count toward it. Last evaluated 2026-04-23.

Conditions:
SLC29A3-related disorder. Also called: SLC29A3-related condition.
H syndrome. Also called: Histiocytosis with joint contractures and sensorineural deafness; Asrar Facharzt Haque syndrome; Pigmented hypertrichosis and insulin-dependent diabetes mellitus; FAISALABAD HISTIOCYTOSIS; HISTIOCYTOSIS AND LYMPHADENOPATHY WITH OR WITHOUT CUTANEOUS, CARDIAC, AND/OR ENDOCRINE FEATURES, JOINT CONTRACTURES, AND/OR DEAFNESS; HYPERPIGMENTATION, CUTANEOUS, WITH HYPERTRICHOSIS, HEPATOSPLENOMEGALY, HEART ANOMALIES, AND HYPOGONADISM WITH OR WITHOUT HEARING LOSS. Identifiers: Orphanet 168569, MedGen C1864445, MONDO:0011273, OMIM 602782.

Allele frequency attached by ClinVar (database versions not stated): gnomAD exomes 0.00001 and 0.00005; ExAC 0.00003; TOPMed 0.00003; gnomAD 0.00004.
gnomAD v4.1: 23 of 1,613,996 alleles (0.0014%); highest among the groups gnomAD compares: Admixed American, 0.027%; no homozygotes.

Submissions (5):

PreventionGenetics, part of Exact Sciences
Classification: Likely pathogenic for SLC29A3-related condition. Last evaluated: 2026-04-23. Review status: criteria provided, single submitter. Criteria: ACMG Guidelines, 2015. Collection method: clinical testing. Allele origin: germline.
Comment: The SLC29A3 c.1087C>T variant is predicted to result in the amino acid substitution p.Arg363Trp. This variant was reported in the homozygous state in individuals with histiocytosis-lymphadenopathy plus syndrome, also known as H syndrome (Molho-Pessach et al. 2010. PubMed ID: 19889517; Bloom et al. 2017. PubMed ID: 29041934). This variant is reported in 0.020% of alleles in individuals of Latino descent in gnomAD. Another missense variant affecting the same amino acid residue but resulting in a different substitution (p.Arg363Gln) was also reported in the homozygous state in individuals with H syndrome (Molho-Pessach et al. 2010. PubMed ID: 19889517; Jaouadi et al. 2018. PubMed ID: 29808591). Taken together, the c.1087C>T (p.Arg363Trp) variant is interpreted as likely pathogenic.

Labcorp Genetics (formerly Invitae), Labcorp
Classification: Pathogenic for H syndrome. Last evaluated: 2025-12-29. Review status: criteria provided, single submitter. Criteria: Invitae Variant Classification Sherloc (09022015). Collection method: clinical testing. Allele origin: germline.
Comment: This sequence change replaces arginine, which is basic and polar, with tryptophan, which is neutral and slightly polar, at codon 363 of the SLC29A3 protein (p.Arg363Trp). This variant is present in population databases (rs387907067, gnomAD 0.02%). This missense change has been observed in individuals with H syndrome (PMID: 19889517, 27143505, 29041934; internal data). ClinVar contains an entry for this variant (Variation ID: 30949). Invitae Evidence Modeling of protein sequence and biophysical properties (such as structural, functional, and spatial information, amino acid conservation, physicochemical variation, residue mobility, and thermodynamic stability) indicates that this missense variant is expected to disrupt SLC29A3 protein function with a positive predictive value of 95%. This variant disrupts the p.Arg363 amino acid residue in SLC29A3. Other variant(s) that disrupt this residue have been determined to be pathogenic (PMID: 19889517, 21888995, 23530176, 27364927, 29808591; internal data). This suggests that this residue is clinically significant, and that variants that disrupt this residue are likely to be disease-causing. For these reasons, this variant has been classified as Pathogenic.

GeneDx
Classification: Pathogenic. Last evaluated: 2025-03-13. Review status: criteria provided, single submitter. Criteria: GeneDx Variant Classification Process June 2021. Collection method: clinical testing. Allele origin: germline. Affected: yes.
Comment: In silico analysis supports that this missense variant has a deleterious effect on protein structure/function; This variant is associated with the following publications: (PMID: 35284993, 19889517, 29041934, 27143505, 34426522, 34786169, 39412751, 37638031, 31192449, 38263041, 23530176, 29808591, 34657628, 35865784)

Genetic Services Laboratory, University of Chicago
Classification: Pathogenic for Histiocytosis-lymphadenopathy plus syndrome. Last evaluated: 2015-05-12. Review status: criteria provided, single submitter. Criteria: ACMG Guidelines, 2015. Collection method: clinical testing. Allele origin: germline. Affected: yes.

OMIM
Classification: Pathogenic for HISTIOCYTOSIS-LYMPHADENOPATHY PLUS SYNDROME. Last evaluated: 2010-01-01. Review status: no assertion criteria provided. Collection method: literature only. Allele origin: germline. Not counted in ClinVar's aggregate classification.

Literature cited by the submitters: PubMed 19889517 (cited by Labcorp Genetics (formerly Invitae), Labcorp and OMIM); PubMed 27143505 (cited by Labcorp Genetics (formerly Invitae), Labcorp); PubMed 29041934 (cited by Labcorp Genetics (formerly Invitae), Labcorp); PubMed 21888995 (cited by Labcorp Genetics (formerly Invitae), Labcorp); PubMed 23530176 (cited by Labcorp Genetics (formerly Invitae), Labcorp); PubMed 27364927 (cited by Labcorp Genetics (formerly Invitae), Labcorp); PubMed 29808591 (cited by Labcorp Genetics (formerly Invitae), Labcorp).